The following is an entry in ClinVar:

ClinVar aggregate classification (germline): Uncertain significance. Review status: criteria provided, multiple submitters, no conflicts (2 of 4 stars). 2 submissions from 2 submitters: Uncertain significance (2). Last evaluated 2026-07-29.

Conditions:
Inborn genetic diseases. Identifiers: MedGen C0950123, MeSH D030342.

Allele frequency attached by ClinVar (database versions not stated): gnomAD 0.00001; TOPMed 0.00001.
gnomAD v4.1: 2 of 1,612,566 alleles (0.00012%); highest among the groups gnomAD compares: Admixed American, 0.0017%; no homozygotes.

Submissions (2):

Ambry Genetics
Classification: Uncertain significance for Inborn genetic diseases. Last evaluated: 2026-07-29. Review status: criteria provided, single submitter. Criteria: Ambry Variant Classification Scheme 2023. Collection method: clinical testing. Allele origin: germline.

Labcorp Genetics (formerly Invitae), Labcorp
Classification: Uncertain significance. Last evaluated: 2024-10-09. Review status: criteria provided, single submitter. Criteria: Invitae Variant Classification Sherloc (09022015). Collection method: clinical testing. Allele origin: germline.
Comment: This sequence change replaces proline, which is neutral and non-polar, with threonine, which is neutral and polar, at codon 316 of the ACAN protein (p.Pro316Thr). This variant is not present in population databases (gnomAD no frequency). This variant has not been reported in the literature in individuals affected with ACAN-related conditions. ClinVar contains an entry for this variant (Variation ID: 2124117). Invitae Evidence Modeling of protein sequence and biophysical properties (such as structural, functional, and spatial information, amino acid conservation, physicochemical variation, residue mobility, and thermodynamic stability) indicates that this missense variant is not expected to disrupt ACAN protein function with a negative predictive value of 80%. In summary, the available evidence is currently insufficient to determine the role of this variant in disease. Therefore, it has been classified as a Variant of Uncertain Significance.

NM_001369268.1(ACAN):c.946C>A (p.Pro316Thr)

Gene: ACAN (aggrecan; plus strand). Cytogenetic location: 15q26.1.
Variant type: single nucleotide variant.
Coding change: c.946C>A on transcript NM_001369268.1 (MANE Select); coding-DNA position 946, C replaced by A.
Protein change: p.Pro316Thr; replaces proline 316 with threonine.
Molecular consequence: missense variant.
Genome position (GRCh38, 1-based): chr15:88,843,543, C>A. VCF-style: chr15-88843543-C-A. GRCh37 (hg19) VCF-style: chr15-89386774-C-A.
Other names: c.946C>A, p.Pro316Thr (NM_001135.4, NM_001411096.1, NM_001411097.1 and 1 more transcripts); c.946C>A (NM_013227.3); short protein forms P316T.
Identifiers: ClinVar variation 2124117 (VCV002124117.5), dbSNP rs1896719106, ClinGen allele CA393707881.